The following is an entry in ClinVar:

ClinVar aggregate classification (germline): Benign/Likely benign. Review status: criteria provided, multiple submitters, no conflicts (2 of 4 stars). 4 submissions from 4 submitters: Benign (1); Likely benign (1). 2 of the submissions do not count toward it. Last evaluated 2025-12-18.

Conditions:
MAGED2-related disorder. Also called: MAGED2-related condition.

Allele frequency attached by ClinVar (database versions not stated): gnomAD exomes 0.00039 and 0.00062; TOPMed 0.00042; gnomAD 0.00057 and 0.00059; ExAC 0.00075; ESP Exome Variant Server 0.00029.
gnomAD v4.1: 721 of 1,167,171 alleles (0.062%); highest among the groups gnomAD compares: Non-Finnish European, 0.076%; no homozygotes.

Submissions (4):

Labcorp Genetics (formerly Invitae), Labcorp
Classification: Benign. Last evaluated: 2025-12-18. Review status: criteria provided, single submitter. Criteria: Invitae Variant Classification Sherloc (09022015). Collection method: clinical testing. Allele origin: germline.

PreventionGenetics, part of Exact Sciences
Classification: Likely benign for MAGED2-related condition. Last evaluated: 2025-12-08. Review status: criteria provided, single submitter. Criteria: ACMG Guidelines, 2015. Collection method: clinical testing. Allele origin: germline.
Comment: This variant is classified as likely benign based on ACMG/AMP sequence variant interpretation guidelines (Richards et al. 2015 PMID: 25741868, with internal and published modifications).

Clinical Genetics DNA and cytogenetics Diagnostics Lab, Erasmus MC, Erasmus Medical Center
Classification: Likely benign. Review status: no assertion criteria provided. Collection method: clinical testing. Allele origin: germline. Affected: yes. Study: VKGL Data-share Consensus. Not counted in ClinVar's aggregate classification.

Laboratory of Diagnostic Genome Analysis, Leiden University Medical Center (LUMC)
Classification: Likely benign. Review status: no assertion criteria provided. Collection method: clinical testing. Allele origin: germline. Affected: yes. Study: VKGL Data-share Consensus. Not counted in ClinVar's aggregate classification.

NM_177433.3(MAGED2):c.1729G>A (p.Ala577Thr)

Gene: MAGED2 (MAGE family member D2; plus strand). Cytogenetic location: Xp11.21.
Variant type: single nucleotide variant.
Coding change: c.1729G>A on transcript NM_177433.3 (MANE Select); coding-DNA position 1729, G replaced by A.
Protein change: p.Ala577Thr; replaces alanine 577 with threonine.
Molecular consequence: missense variant.
Genome position (GRCh38, 1-based): chrX:54,815,590, G>A. VCF-style: chrX-54815590-G-A. GRCh37 (hg19) VCF-style: chrX-54842023-G-A.
Other names: c.1729G>A, p.Ala577Thr (NM_014599.6, NM_201222.3); c.1729G>A (NM_177433.2); short protein forms A577T.
Identifiers: ClinVar variation 1206207 (VCV001206207.8), dbSNP rs376899197, ClinGen allele CA10426923.
Genomic context (GRCh38, chrX:54,815,590, plus strand): 5'-AACAGTGCCAGTGCCAGTGCCAGCACCAGTGGTGGCTTCAGTGCTGGTGCCAGCCTGACC[G>A]CCACTCTCACATTTGGGCTCTTCGCTGGCCTTGGTGGAGCTGGTGCCAGCACCAGTGGCA-3'
Protein context (NP_803182.1, residues 567-587): GGFSAGASLT[Ala577Thr]TLTFGLFAGL